The following is an entry in ClinVar:

ClinVar aggregate classification (germline): Likely benign. Review status: criteria provided, multiple submitters, no conflicts (2 of 4 stars). 3 submissions from 3 submitters: Likely benign (3). Last evaluated 2025-11-10.

Conditions:
Hereditary cancer-predisposing syndrome. Also called: Hereditary neoplastic syndrome; Tumor predisposition; Neoplastic Syndromes, Hereditary; Hereditary Cancer Syndrome. Identifiers: Orphanet 140162, MedGen C0027672, MeSH D009386, MONDO:0015356.
Hereditary breast ovarian cancer syndrome. Also called: Hereditary breast and ovarian cancer syndrome (HBOC); Hereditary breast and/or ovarian cancer syndrome; Hereditary breast and ovarian cancer; BRCA1- and BRCA2-Associated Hereditary Breast and Ovarian Cancer; Hereditary breast and ovarian cancer syndrome; Breast and ovarian cancer. Identifiers: Orphanet 145, MedGen C0677776, MeSH D061325, MONDO:0003582. Disease mechanism: loss of function.
Breast-ovarian cancer, familial, susceptibility to, 1 (BROVCA1). Also called: BRCA1 Hereditary Breast and Ovarian Cancer; OVARIAN CANCER, SUSCEPTIBILITY TO. Identifiers: Orphanet 145, MedGen C2676676, MONDO:0011450, OMIM 604370. Disease mechanism: loss of function.

Submissions (3):

Labcorp Genetics (formerly Invitae), Labcorp
Classification: Likely benign for Hereditary breast ovarian cancer syndrome. Last evaluated: 2025-11-10. Review status: criteria provided, single submitter. Criteria: Invitae Variant Classification Sherloc (09022015). Collection method: clinical testing. Allele origin: germline.

All of Us Research Program, National Institutes of Health
Classification: Likely benign for Breast-ovarian cancer, familial, susceptibility to, 1. Last evaluated: 2023-08-28. Review status: criteria provided, single submitter. Criteria: ACMG Guidelines, 2015. Collection method: clinical testing. Allele origin: germline. Inheritance: Autosomal dominant inheritance. Observed: 1 variant allele, 1 heterozygote.
Comment: This study involves interpretation of variants in research participants for the purpose of population health screening. Participant phenotype was not available at the time of variant classification. Additional details can be found in publication PMID: 35346344, PMCID: PMC8962531

Color Diagnostics, LLC DBA Color Health
Classification: Likely benign for Hereditary cancer-predisposing syndrome. Last evaluated: 2023-08-23. Review status: criteria provided, single submitter. Criteria: ACMG Guidelines, 2015. Collection method: clinical testing. Allele origin: germline.

NM_007294.4(BRCA1):c.4358-14C>T

Gene: BRCA1 (BRCA1 DNA repair associated; minus strand). Cytogenetic location: 17q21.31.
Variant type: single nucleotide variant.
Coding change: c.4358-14C>T on transcript NM_007294.4 (MANE Select); 14 bases into the intron before coding-DNA position 4358, C replaced by T.
Molecular consequence: intron variant.
Genome position (GRCh38, 1-based): chr17:43,076,628, G>A on the plus strand (C>T on the coding strand, the complement: BRCA1 is on the minus strand). VCF-style: chr17-43076628-G-A. GRCh37 (hg19) VCF-style: chr17-41228645-G-A.
Other names: c.908-17C>T (NM_001408458.1, NM_001408461.1, NM_001408459.1 and 1 more transcripts); c.3470-17C>T (NM_001407967.1); c.3977-14C>T (NM_001407959.1); c.4091-14C>T (NM_001407931.1, NM_001407932.1, NM_001407930.1 and 1 more transcripts); c.4214-14C>T (NM_001407747.1, NM_001407745.1, NM_001407746.1 and 11 more transcripts); c.3974-14C>T (NM_001407962.1); c.545-14C>T (NM_001408512.1); c.668-14C>T (NM_001408510.1); and 98 more.
Identifiers: ClinVar variation 921325 (VCV000921325.14), dbSNP rs777163785, ClinGen allele CA913188861.